The following is an entry in ClinVar:

NM_001127222.2(CACNA1A):c.1555+5G>A

Gene: CACNA1A (calcium voltage-gated channel subunit alpha1 A; minus strand). Cytogenetic location: 19p13.13.
Variant type: single nucleotide variant.
Coding change: c.1555+5G>A on transcript NM_001127222.2 (MANE Select); 5 bases into the intron after coding-DNA position 1555, G replaced by A.
Molecular consequence: intron variant.
Genome position (GRCh38, 1-based): chr19:13,317,107, C>T on the plus strand (G>A on the coding strand, the complement: CACNA1A is on the minus strand). VCF-style: chr19-13317107-C-T. GRCh37 (hg19) VCF-style: chr19-13427921-C-T.
Other names: c.1558+5G>A (NM_001127221.2, NM_001174080.2, NM_000068.4 and 1 more transcripts).
Identifiers: ClinVar variation 1806849 (VCV001806849.3), dbSNP rs2512982584, ClinGen allele CA2580096594.
Genomic context (GRCh38, chr19:13,317,107, plus strand): 5'-AAGTGGAAAAAGGGTGTGAGGGAGGGATCAGGGAGTTGGCAGGGGTGGGGCTGGGTGATA[C>T]TCACAAAGGAAGTCGGAGAGCCACTCGGGCTGGTTGTAGTGAACAATAGCAACACACAGC-3'

ClinVar aggregate classification (germline): Uncertain significance. Review status: criteria provided, multiple submitters, no conflicts (2 of 4 stars). 2 submissions from 2 submitters: Uncertain significance (2). Last evaluated 2024-10-04.

Conditions:
Episodic ataxia type 2 (EA2). Also called: ATAXIA, EPISODIC, WITH NYSTAGMUS; ATAXIA, FAMILIAL PAROXYSMAL; CEREBELLAR ATAXIA, PAROXYSMAL, ACETAZOLAMIDE-RESPONSIVE; CEREBELLOPATHY, HEREDITARY PAROXYSMAL; EPISODIC ATAXIA, NYSTAGMUS-ASSOCIATED; ACETAZOLAMIDE-RESPONSIVE HEREDITARY PAROXYSMAL CEREBELLAR ATAXIA. Identifiers: Orphanet 97, MedGen C1720416, MONDO:0007163, OMIM 108500.
Developmental and epileptic encephalopathy, 42 (DEE42A). Also called: DEVELOPMENTAL AND EPILEPTIC ENCEPHALOPATHY 42A; EPILEPTIC ENCEPHALOPATHY, EARLY INFANTILE, 42A; Epileptic encephalopathy, early infantile, 42. Identifiers: MedGen C4310716, MONDO:0014917, OMIM 617106.

Submissions (2):

Labcorp Genetics (formerly Invitae), Labcorp
Classification: Uncertain significance for Developmental and epileptic encephalopathy, 42; Episodic ataxia type 2. Last evaluated: 2024-10-04. Review status: criteria provided, single submitter. Criteria: Invitae Variant Classification Sherloc (09022015). Collection method: clinical testing. Allele origin: germline.
Comment: This sequence change falls in intron 11 of the CACNA1A gene. It does not directly change the encoded amino acid sequence of the CACNA1A protein. It affects a nucleotide within the consensus splice site. This variant is not present in population databases (gnomAD no frequency). This variant has not been reported in the literature in individuals affected with CACNA1A-related conditions. ClinVar contains an entry for this variant (Variation ID: 1806849). Variants that disrupt the consensus splice site are a relatively common cause of aberrant splicing (PMID: 17576681, 9536098). Algorithms developed to predict the effect of sequence changes on RNA splicing suggest that this variant may disrupt the consensus splice site. In summary, the available evidence is currently insufficient to determine the role of this variant in disease. Therefore, it has been classified as a Variant of Uncertain Significance.

Athena Diagnostics
Classification: Uncertain significance. Last evaluated: 2021-11-05. Review status: criteria provided, single submitter. Criteria: Athena Diagnostics Criteria. Collection method: clinical testing. Allele origin: unknown.

Literature cited by the submitters: PubMed 17576681 (cited by Labcorp Genetics (formerly Invitae), Labcorp); PubMed 9536098 (cited by Labcorp Genetics (formerly Invitae), Labcorp).